The following is an entry in ClinVar:

NM_004100.5(EYA4):c.988C>T (p.Gln330Ter)

Gene: EYA4 (EYA transcriptional coactivator and phosphatase 4; plus strand). Cytogenetic location: 6q23.2.
Variant type: single nucleotide variant.
Coding change: c.988C>T on transcript NM_004100.5 (MANE Select); coding-DNA position 988, C replaced by T.
Protein change: p.Gln330Ter; replaces glutamine 330 with a stop codon.
Molecular consequence: nonsense.
Genome position (GRCh38, 1-based): chr6:133,481,480, C>T. VCF-style: chr6-133481480-C-T. GRCh37 (hg19) VCF-style: chr6-133802618-C-T.
Other names: c.826C>T, p.Gln276Ter (NM_001301012.2); c.1006C>T, p.Gln336Ter (NM_001301013.2); c.919C>T, p.Gln307Ter (NM_001370458.1, NM_172103.4); c.844C>T, p.Gln282Ter (NM_001370459.1); c.988C>T, p.Gln330Ter (NM_172105.4); short protein forms Q276*, Q282*, Q307*, Q330*, Q336*.
Identifiers: ClinVar variation 2446670 (VCV002446670.2), dbSNP rs2534855634, ClinGen allele CA365706334.
Genomic context (GRCh38, chr6:133,481,480, plus strand): 5'-AAAAATGAAGTGCTATTCTTGACCTAAGTCATGTTATCTATAGGAGAGTTCGATACCATG[C>T]AGAGTCCCTCCACACCCATCAAAGATCTTGATGAGAGAACCTGTAGGAGTTCTGGGTCAA-3'

ClinVar aggregate classification (germline): Pathogenic (1 of 4 stars; one submission).

Allele frequency attached by ClinVar (database versions not stated): gnomAD exomes below 0.00001.
gnomAD v4.1: 1 of 1,613,820 alleles (0.000062%); highest among the groups gnomAD compares: South Asian, 0.0011%; no homozygotes.

Submission:

GeneDx
Classification: Pathogenic. Last evaluated: 2024-07-18. Review status: criteria provided, single submitter. Criteria: GeneDx Variant Classification Process June 2021. Collection method: clinical testing. Allele origin: germline. Affected: yes.
Comment: Nonsense variant predicted to result in protein truncation or nonsense mediated decay in a gene for which loss of function is a known mechanism of disease; Not observed at significant frequency in large population cohorts (gnomAD); This variant is associated with the following publications: (PMID: 33297549, 32107406)